The following is an entry in ClinVar:

ClinVar aggregate classification (germline): Uncertain significance. Review status: criteria provided, multiple submitters, no conflicts (2 of 4 stars). 2 submissions from 2 submitters: Uncertain significance (2). Last evaluated 2022-02-18.

Conditions:
Muscular dystrophy-dystroglycanopathy type B6 (MDDGB6). Also called: MUSCULAR DYSTROPHY, CONGENITAL, LARGE-RELATED; MUSCULAR DYSTROPHY, CONGENITAL, TYPE 1D; MUSCULAR DYSTROPHY-DYSTROGLYCANOPATHY (CONGENITAL WITH IMPAIRED INTELLECTUAL DEVELOPMENT), TYPE B, 6. Identifiers: MedGen C1837229, MONDO:0012138, OMIM 608840.

Allele frequency attached by ClinVar (database versions not stated): TOPMed below 0.00001; ExAC 0.00001; gnomAD 0.00001; gnomAD exomes 0.00001.
gnomAD v4.1: 17 of 1,613,690 alleles (0.0011%); highest among the groups gnomAD compares: Middle Eastern, 0.016%; no homozygotes.

Submissions (2):

Labcorp Genetics (formerly Invitae), Labcorp
Classification: Uncertain significance for Muscular dystrophy-dystroglycanopathy type B6. Last evaluated: 2022-02-18. Review status: criteria provided, single submitter. Criteria: Invitae Variant Classification Sherloc (09022015). Collection method: clinical testing. Allele origin: germline.
Comment: This sequence change replaces alanine, which is neutral and non-polar, with threonine, which is neutral and polar, at codon 478 of the LARGE1 protein (p.Ala478Thr). This variant is present in population databases (rs778360056, gnomAD 0.006%). This variant has not been reported in the literature in individuals affected with LARGE1-related conditions. ClinVar contains an entry for this variant (Variation ID: 642137). Algorithms developed to predict the effect of missense changes on protein structure and function are either unavailable or do not agree on the potential impact of this missense change (SIFT: "Tolerated"; PolyPhen-2: "Probably Damaging"; Align-GVGD: "Class C0"). In summary, the available evidence is currently insufficient to determine the role of this variant in disease. Therefore, it has been classified as a Variant of Uncertain Significance.

Revvity Omics, Revvity
Classification: Uncertain significance. Last evaluated: 2019-03-22. Review status: criteria provided, single submitter. Criteria: ACMG Guidelines, 2015. Collection method: clinical testing. Allele origin: germline.

NM_133642.5(LARGE1):c.1432G>A (p.Ala478Thr)

Gene: LARGE1 (LARGE xylosyl- and glucuronyltransferase 1; minus strand). Cytogenetic location: 22q12.3.
Variant type: single nucleotide variant.
Coding change: c.1432G>A on transcript NM_133642.5 (MANE Select); coding-DNA position 1432, G replaced by A.
Protein change: p.Ala478Thr; replaces alanine 478 with threonine.
Molecular consequence: missense variant.
Genome position (GRCh38, 1-based): chr22:33,316,104, C>T on the plus strand (G>A on the coding strand, the complement: LARGE1 is on the minus strand). VCF-style: chr22-33316104-C-T. GRCh37 (hg19) VCF-style: chr22-33712090-C-T.
Other names: c.1432G>A (NM_004737.6); c.1432G>A, p.Ala478Thr (NM_001362949.2, NM_001362951.2, NM_001362953.2 and 6 more transcripts); c.1276G>A, p.Ala426Thr (NM_001378629.1); c.829G>A, p.Ala277Thr (NM_001378630.1); c.673G>A, p.Ala225Thr (NM_001378631.1); short protein forms A478T, A225T, A277T, A426T.
Identifiers: ClinVar variation 642137 (VCV000642137.6), dbSNP rs778360056, ClinGen allele CA10202750.
Genomic context (GRCh38, chr22:33,316,104, plus strand): 5'-CGCGGTGAGGAGACTGGGGTGGGTGAGGCCGTCTGCCATACCTGTCCATGGACAGCTGAG[C>T]GACCAGGGTGACGTCCGTGCTGTCTGCTGCAGGCTCATACTCGTAGTGCAGGAAGTACAG-3'
Protein context (NP_598397.1, residues 468-488): AADSTDVTLV[Ala478Thr]QLSMDRLQML